The following is an entry in ClinVar:

NM_000417.3(IL2RA):c.272C>T (p.Thr91Met)

Gene: IL2RA (interleukin 2 receptor subunit alpha; minus strand). Cytogenetic location: 10p15.1.
Variant type: single nucleotide variant.
Coding change: c.272C>T on transcript NM_000417.3 (MANE Select); coding-DNA position 272, C replaced by T.
Protein change: p.Thr91Met; replaces threonine 91 with methionine.
Molecular consequence: missense variant.
Genome position (GRCh38, 1-based): chr10:6,024,339, G>A on the plus strand (C>T on the coding strand, the complement: IL2RA is on the minus strand). VCF-style: chr10-6024339-G-A. GRCh37 (hg19) VCF-style: chr10-6066302-G-A.
Other names: c.272C>T, p.Thr91Met (NM_001308242.2, NM_001308243.2); short protein forms T91M.
Identifiers: ClinVar variation 432884 (VCV000432884.51), dbSNP rs72650666, ClinGen allele CA5397502.

ClinVar aggregate classification (germline): Conflicting classifications of pathogenicity. Review status: criteria provided, conflicting classifications (1 of 4 stars). 6 submissions from 6 submitters: Uncertain significance (1); Benign (1); Likely benign (3). 1 of the submissions does not count toward it. Last evaluated 2026-01-28.

Conditions:
IL2RA-related disorder. Also called: IL2RA-related condition.
Immunodeficiency due to CD25 deficiency. Also called: CD25 DEFICIENCY; IMMUNODEFICIENCY 41 WITH LYMPHOPROLIFERATION AND AUTOIMMUNITY; IL2RA DEFICIENCY. Identifiers: Orphanet 169100, MedGen C1853392, MONDO:0011664, OMIM 606367.

Allele frequency attached by ClinVar (database versions not stated): 1000 Genomes Project 30x 0.00031; 1000 Genomes Project 0.00040; TOPMed 0.00081; ESP Exome Variant Server 0.00085; ExAC 0.00173; gnomAD 0.00174 and 0.00183; gnomAD exomes 0.00186.

Submissions (6):

Labcorp Genetics (formerly Invitae), Labcorp
Classification: Benign for Immunodeficiency due to CD25 deficiency. Last evaluated: 2026-01-28. Review status: criteria provided, single submitter. Criteria: Invitae Variant Classification Sherloc (09022015). Collection method: clinical testing. Allele origin: germline.

CeGaT Center for Human Genetics Tuebingen
Classification: Likely benign. Last evaluated: 2025-05-01. Review status: criteria provided, single submitter. Criteria: CeGaT Center For Human Genetics Tuebingen Variant Classification Criteria Version 2. Collection method: clinical testing. Allele origin: germline. Affected: yes. Observed: 2 variant alleles.
Comment: IL2RA: BP4

Blueprint Genetics
Classification: Likely benign. Last evaluated: 2024-11-08. Review status: criteria provided, single submitter. Criteria: ACMG Guidelines, 2015. Collection method: clinical testing. Allele origin: germline.

GeneDx
Classification: Uncertain significance. Last evaluated: 2017-06-21. Review status: criteria provided, single submitter. Criteria: GeneDx Variant Classification (06012015). Collection method: clinical testing. Allele origin: germline. Affected: yes.
Comment: The T91M variant in the IL2RA gene has not been reported previously as a pathogenic variant, nor as a benign variant, to our knowledge. The T91M variant is observed in 53/6,604 (0.8%) alleles from individuals of Finnish background and 147/66,618 (0.2%) alleles from individuals of European (non-Finnish) background in the ExAC dataset (Lek et al., 2016). The T91M variant is a non-conservative amino acid substitution, which is likely to impact secondary protein structure as these residues differ in polarity, charge, size and/or other properties. However, this substitution occurs at a position that is not conserved, and in silico analysis is inconsistent in its predictions as to whether or not the variant is damaging to the protein structure/function. We interpret T91M as a variant of uncertain significance.

Illumina Laboratory Services, Illumina
Classification: Likely benign for Immunodeficiency due to CD25 deficiency. Last evaluated: 2017-04-27. Review status: criteria provided, single submitter. Criteria: ICSL Variant Classification Criteria 13 December 2019. Collection method: clinical testing. Allele origin: germline.
Comment: This variant was observed as part of a predisposition screen in an ostensibly healthy population. A literature search was performed for the gene, cDNA change, and amino acid change (where applicable). No publications were found based on this search. Allele frequency data from public databases allowed determination this variant is unlikely to cause disease. Therefore, this variant is classified as likely benign.

PreventionGenetics, part of Exact Sciences
Classification: Likely benign for IL2RA-related condition. Last evaluated: 2022-11-21. Review status: no assertion criteria provided. Collection method: clinical testing. Allele origin: germline. Not counted in ClinVar's aggregate classification.
Comment: This variant is classified as likely benign based on ACMG/AMP sequence variant interpretation guidelines (Richards et al. 2015 PMID: 25741868, with internal and published modifications).